The following is an entry in ClinVar:

NM_014629.4(ARHGEF10):c.843+4C>T

Gene: ARHGEF10 (Rho guanine nucleotide exchange factor 10; plus strand). Cytogenetic location: 8p23.3.
Variant type: single nucleotide variant.
Coding change: c.843+4C>T on transcript NM_014629.4 (MANE Select); 4 bases into the intron after coding-DNA position 843, C replaced by T.
Molecular consequence: intron variant.
Genome position (GRCh38, 1-based): chr8:1,876,738, C>T. VCF-style: chr8-1876738-C-T. GRCh37 (hg19) VCF-style: chr8-1824904-C-T.
Other names: c.846+4C>T (NM_001438092.1, NM_001438091.1, NM_001308152.2 and 2 more transcripts); c.843+4C>T (NM_001438093.1).
Identifiers: ClinVar variation 3609163 (VCV003609163.2).

ClinVar aggregate classification (germline): Uncertain significance (1 of 4 stars; one submission).

gnomAD v4.1: 8 of 1,614,112 alleles (0.0005%); highest among the groups gnomAD compares: African/African-American, 0.0053%; no homozygotes.

Submission:

Labcorp Genetics (formerly Invitae), Labcorp
Classification: Uncertain significance. Last evaluated: 2025-01-19. Review status: criteria provided, single submitter. Criteria: Invitae Variant Classification Sherloc (09022015). Collection method: clinical testing. Allele origin: germline.
Comment: This sequence change falls in intron 8 of the ARHGEF10 gene. It does not directly change the encoded amino acid sequence of the ARHGEF10 protein. It affects a nucleotide within the consensus splice site. This variant is present in population databases (rs371714946, gnomAD 0.01%). This variant has not been reported in the literature in individuals affected with ARHGEF10-related conditions. Variants that disrupt the consensus splice site are a relatively common cause of aberrant splicing (PMID: 17576681, 9536098). Algorithms developed to predict the effect of sequence changes on RNA splicing suggest that this variant is not likely to affect RNA splicing. In summary, the available evidence is currently insufficient to determine the role of this variant in disease. Therefore, it has been classified as a Variant of Uncertain Significance.

Literature cited by the submitters: PubMed 17576681; PubMed 9536098.